The following is an entry in ClinVar:

NM_001135649.3(FOXI3):c.355_363dup (p.Ser119_Ala121dup)

Gene: FOXI3 (forkhead box I3; minus strand). Cytogenetic location: 2p11.2.
Variant type: Duplication.
Coding change: c.355_363dup on transcript NM_001135649.3 (MANE Select); coding-DNA positions 355 to 363, 9 bases duplicated (TCGCCCGCC; older notation c.355_363dupTCGCCCGCC).
Protein change: p.Ser119_Ala121dup.
Molecular consequence: inframe insertion.
Genome position (GRCh38, 1-based): chr2:88,452,173-88,452,181, GGCGGGCGA duplicated on the plus strand (TCGCCCGCC on the coding strand, the reverse complement: FOXI3 is on the minus strand); duplicating any 9 consecutive bases within chr2:88,452,173-88,452,189 gives the same sequence; the c. name uses the placement nearest the transcript's 3' end. VCF-style (leftmost placement, unchanged base first): chr2-88452172-C-CGGCGGGCGA. GRCh37 (hg19) VCF-style: chr2-88751691-C-CGGCGGGCGA.
Identifiers: ClinVar variation 1504645 (VCV001504645.8), dbSNP rs753921599, ClinGen allele CA534638500.
Genomic context (GRCh38, chr2:88,452,172, plus strand): 5'-TCATCAGGTCCTCGCGGCTGGCCATGGACAGCCAGCCCAGCTCCCCGGGCCCCGCGGGCG[C>CGGCGGGCGA]GGCGGGCGAGGCGGGCGCGGCGGGCGCGGGCTGCGCGAAGGGCCGCTGAGAGCAGCCGAA-3'

ClinVar aggregate classification (germline): Uncertain significance (1 of 4 stars; one submission).

Submission:

Labcorp Genetics (formerly Invitae), Labcorp
Classification: Uncertain significance. Last evaluated: 2025-07-23. Review status: criteria provided, single submitter. Criteria: Invitae Variant Classification Sherloc (09022015). Collection method: clinical testing. Allele origin: germline.
Comment: This variant, c.355_363dup, results in the insertion of 3 amino acid(s) of the FOXI3 protein (p.Ser119_Ala121dup), but otherwise preserves the integrity of the reading frame. The frequency data for this variant in the population databases is considered unreliable, as metrics indicate poor data quality at this position in the gnomAD database. This variant has not been reported in the literature in individuals affected with FOXI3-related conditions. ClinVar contains an entry for this variant (Variation ID: 1504645). Experimental studies and prediction algorithms are not available or were not evaluated, and the functional significance of this variant is currently unknown. In summary, the available evidence is currently insufficient to determine the role of this variant in disease. Therefore, it has been classified as a Variant of Uncertain Significance.